The following is an entry in ClinVar:

ClinVar aggregate classification (germline): Benign/Likely benign. Review status: criteria provided, multiple submitters, no conflicts (2 of 4 stars). 2 submissions from 2 submitters: Benign (1); Likely benign (1). Last evaluated 2024-11-08.

Conditions:
Renal cell carcinoma. Identifiers: Orphanet 217071, MedGen C0007134, MeSH D002292, MONDO:0005086, HP:0005584.
Papillary renal cell carcinoma type 1 (RCCP1). Also called: RENAL CELL CARCINOMA, PAPILLARY, 1, SOMATIC; Renal adenocarcinoma; Renal cell carcinoma 1; Renal cell carcinoma, somatic. Identifiers: Orphanet 47044, MedGen C1336839, OMIM 605074, HP:0011797.

Submissions (2):

Myriad Genetics, Inc.
Classification: Benign for Papillary renal cell carcinoma type 1. Last evaluated: 2024-11-08. Review status: criteria provided, single submitter. Criteria: Myriad Autosomal Dominant, Autosomal Recessive and X-Linked Classification Criteria (2023). Collection method: clinical testing. Allele origin: unknown.
Comment: This variant is considered benign. This variant is intronic and is not expected to impact mRNA splicing.

Labcorp Genetics (formerly Invitae), Labcorp
Classification: Likely benign for Renal cell carcinoma. Last evaluated: 2023-07-03. Review status: criteria provided, single submitter. Criteria: Invitae Variant Classification Sherloc (09022015). Collection method: clinical testing. Allele origin: germline.

NM_000245.4(MET):c.1965+10_1965+11insAA

Gene: MET (MET proto-oncogene, receptor tyrosine kinase; plus strand). Cytogenetic location: 7q31.2.
Variant type: Insertion.
Coding change: c.1965+10_1965+11insAA on transcript NM_000245.4 (MANE Select); bases 10 to 11 of the intron after coding-DNA position 1965, AA inserted.
Molecular consequence: intron variant.
Genome position: GRCh38 VCF-style: chr7-116757548-G-GAA. GRCh37 (hg19) VCF-style: chr7-116397602-G-GAA.
Other names: c.1965+10_1965+11insAA (NM_001127500.3, NM_001324401.3); c.675+10_675+11insAA (NM_001324402.2).
Identifiers: ClinVar variation 1081226 (VCV001081226.10), dbSNP rs754083112, ClinGen allele CA4448330.
Genomic context (GRCh38, chr7:116,757,548, plus strand): 5'-AATTATTTCAAATGGCCACGGGACAACACAATACAGTACATTCTCCTATGTGGTAAGGAA[G>GAA]ATTCTATCCTATCATGTTTGATTTTTACTTAATCTATTTAAATTATAAGATGAACAAGTT-3'